The following is an entry in ClinVar:

NM_001458.5(FLNC):c.1714C>T (p.Gln572Ter)

Gene: FLNC (filamin C; plus strand). Cytogenetic location: 7q32.1.
Variant type: single nucleotide variant.
Coding change: c.1714C>T on transcript NM_001458.5 (MANE Select); coding-DNA position 1714, C replaced by T.
Protein change: p.Gln572Ter; replaces glutamine 572 with a stop codon.
Molecular consequence: nonsense.
Genome position (GRCh38, 1-based): chr7:128,840,871, C>T. VCF-style: chr7-128840871-C-T. GRCh37 (hg19) VCF-style: chr7-128480925-C-T.
Other names: c.1714C>T, p.Gln572Ter (NM_001127487.2); short protein forms Q572*.
Identifiers: ClinVar variation 2574070 (VCV002574070.1), dbSNP rs2536627146, ClinGen allele CA369226918.

ClinVar aggregate classification (germline): Likely pathogenic (0 of 4 stars; one submission).

Conditions:
Hypertrophic cardiomyopathy 26. Also called: Cardiomyopathy, familial hypertrophic, 26. Identifiers: Orphanet 75249, MedGen C4310749, MONDO:0014883, OMIM 617047.

Submission:

deCODE genetics, Amgen
Classification: Likely pathogenic for Hypertrophic cardiomyopathy 26. Last evaluated: 2023-07-21. Review status: no assertion criteria provided. Collection method: research. Allele origin: germline. Affected: yes. Observed: 1 variant allele.
Comment: The variant NM_001458.5:c.1714C>T (chr7:128840871) in FLNC was detected in 1 heterozygote out of 58K WGS Icelanders (MAF= 0,001%). This variant has not been reported in ClinVar previously. Based on ACMG criteria (PVS1, PM2) this variant classifies as likely pathogenic.